The following is an entry in ClinVar:

NM_152328.5(ADSS1):c.296-32CTCTGTCTCTCATGC[3]

Gene: ADSS1 (adenylosuccinate synthase 1; plus strand). Cytogenetic location: 14q32.33.
Variant type: Microsatellite.
Coding change: c.296-32CTCTGTCTCTCATGC[3] on transcript NM_152328.5 (MANE Select); three copies in a row of the 15-base unit CTCTGTCTCTCATGC starting at c.296-32; the reference has two copies in a row; one copy, 15 bases duplicated.
Molecular consequence: intron variant.
Genome position (GRCh38, 1-based): chr14:104,738,359-104,738,373, CTCTGTCTCTCATGC duplicated; duplicating any 15 consecutive bases within chr14:104,738,344-104,738,373 gives the same sequence; the position shown is the placement nearest the transcript's 3' end. VCF-style (leftmost placement, unchanged base first): chr14-104738343-A-ACTCTGTCTCTCATGC. GRCh37 (hg19) VCF-style: chr14-105204680-A-ACTCTGTCTCTCATGC.
Other names: c.425-32CTCTGTCTCTCATGC[3] (NM_199165.2); c.-303-32CTCTGTCTCTCATGC[3] (NM_001320424.1).
Identifiers: ClinVar variation 515195 (VCV000515195.1), dbSNP rs765056945, ClinGen allele CA7373594.

ClinVar aggregate classification (germline): Likely benign (1 of 4 stars; one submission).

Allele frequency attached by ClinVar (database versions not stated): TOPMed 0.00001.

Submission:

GeneDx
Classification: Likely benign. Last evaluated: 2018-01-30. Review status: criteria provided, single submitter. Criteria: GeneDx Variant Classification (06012015). Collection method: clinical testing. Allele origin: germline. Affected: yes.
Comment: This variant is considered likely benign or benign based on one or more of the following criteria: it is a conservative change, it occurs at a poorly conserved position in the protein, it is predicted to be benign by multiple in silico algorithms, and/or has population frequency not consistent with disease.